The following is an entry in ClinVar:

NM_002382.5(MAX):c.244C>G (p.Gln82Glu)

Gene: MAX (MYC associated transcriptional regulator X; minus strand). Cytogenetic location: 14q23.3.
Variant type: single nucleotide variant.
Coding change: c.244C>G on transcript NM_002382.5 (MANE Select); coding-DNA position 244, C replaced by G.
Protein change: p.Gln82Glu; replaces glutamine 82 with glutamic acid.
Molecular consequence: missense variant. On other transcripts: 5 prime UTR variant (1), intron variant (2).
Genome position (GRCh38, 1-based): chr14:65,077,964, G>C on the plus strand (C>G on the coding strand, the complement: MAX is on the minus strand). VCF-style: chr14-65077964-G-C. GRCh37 (hg19) VCF-style: chr14-65544682-G-C.
Other names: c.-31C>G (NM_001320415.2, NM_001407105.1, NM_001407106.1 and 1 more transcripts); c.244C>G, p.Gln82Glu (NM_001407094.1, NM_001407096.1, NM_001407097.1 and 3 more transcripts); c.217C>G, p.Gln73Glu (NM_001407095.1, NM_001407099.1, NM_001407100.1 and 6 more transcripts); c.136C>G, p.Gln46Glu (NM_001407098.1); c.-124C>G (NM_001407111.1, NM_001407112.1); c.144+15744C>G (NM_001271069.2); c.171+15744C>G (NM_197957.4); short protein forms Q82E, Q73E, Q46E.
Identifiers: ClinVar variation 862854 (VCV000862854.11), dbSNP rs2063104349, ClinGen allele CA390035609.

ClinVar aggregate classification (germline): Uncertain significance. Review status: criteria provided, multiple submitters, no conflicts (2 of 4 stars). 2 submissions from 2 submitters: Uncertain significance (2). Last evaluated 2025-12-18.

Conditions:
Hereditary pheochromocytoma and paraganglioma. Also called: Hereditary pheochromocytoma-paraganglioma; Hereditary paragangliomas and pheochromocytomas; Hereditary Paraganglioma-Pheochromocytoma Syndromes. Identifiers: Orphanet 29072, MedGen C4274332, MONDO:0017366.
Hereditary cancer-predisposing syndrome. Also called: Hereditary Cancer Syndrome; Tumor predisposition; Neoplastic Syndromes, Hereditary; Hereditary neoplastic syndrome. Identifiers: Orphanet 140162, MedGen C0027672, MeSH D009386, MONDO:0015356.

Submissions (2):

Labcorp Genetics (formerly Invitae), Labcorp
Classification: Uncertain significance for Hereditary pheochromocytoma and paraganglioma. Last evaluated: 2025-12-18. Review status: criteria provided, single submitter. Criteria: Invitae Variant Classification Sherloc (09022015). Collection method: clinical testing. Allele origin: germline.
Comment: This sequence change replaces glutamine, which is neutral and polar, with glutamic acid, which is acidic and polar, at codon 82 of the MAX protein (p.Gln82Glu). This variant is not present in population databases (gnomAD no frequency). This variant has not been reported in the literature in individuals affected with MAX-related conditions. ClinVar contains an entry for this variant (Variation ID: 862854). An algorithm developed to predict the effect of missense changes on protein structure and function (PolyPhen-2) suggests that this variant is likely to be tolerated. In summary, the available evidence is currently insufficient to determine the role of this variant in disease. Therefore, it has been classified as a Variant of Uncertain Significance.

Ambry Genetics
Classification: Uncertain significance for Hereditary cancer-predisposing syndrome. Last evaluated: 2025-08-24. Review status: criteria provided, single submitter. Criteria: Ambry Variant Classification Scheme 2023. Collection method: clinical testing. Allele origin: germline.
Comment: The p.Q82E variant (also known as c.244C>G), located in coding exon 4 of the MAX gene, results from a C to G substitution at nucleotide position 244. The glutamine at codon 82 is replaced by glutamic acid, an amino acid with highly similar properties. This amino acid position is conserved. In addition, this alteration is predicted to be deleterious by in silico analysis. Based on the available evidence, the clinical significance of this variant remains unclear.